The following is an entry in ClinVar:

ClinVar aggregate classification (germline): Uncertain significance (1 of 4 stars; one submission).

Conditions:
Niemann-Pick disease, type C1. Also called: NIEMANN-PICK DISEASE, VARIANT TYPE C1; NEUROVISCERAL STORAGE DISEASE WITH VERTICAL SUPRANUCLEAR OPHTHALMOPLEGIA; NIEMANN-PICK DISEASE WITH CHOLESTEROL ESTERIFICATION BLOCK; NIEMANN-PICK DISEASE WITHOUT SPHINGOMYELINASE DEFICIENCY; NIEMANN-PICK DISEASE, CHRONIC NEURONOPATHIC FORM. Identifiers: Orphanet 646, MedGen C3179455, MONDO:0009757, OMIM 257220.

Allele frequency attached by ClinVar (database versions not stated): TOPMed below 0.00001.

Submission:

Labcorp Genetics (formerly Invitae), Labcorp
Classification: Uncertain significance for Niemann-Pick disease, type C1. Last evaluated: 2022-05-26. Review status: criteria provided, single submitter. Criteria: Invitae Variant Classification Sherloc (09022015). Collection method: clinical testing. Allele origin: germline.
Comment: In summary, the available evidence is currently insufficient to determine the role of this variant in disease. Therefore, it has been classified as a Variant of Uncertain Significance. Algorithms developed to predict the effect of sequence changes on RNA splicing suggest that this variant may create or strengthen a splice site. Advanced modeling of protein sequence and biophysical properties (such as structural, functional, and spatial information, amino acid conservation, physicochemical variation, residue mobility, and thermodynamic stability) performed at Invitae indicates that this missense variant is not expected to disrupt NPC1 protein function. This variant has not been reported in the literature in individuals affected with NPC1-related conditions. This variant is not present in population databases (gnomAD no frequency). This sequence change replaces aspartic acid, which is acidic and polar, with glycine, which is neutral and non-polar, at codon 806 of the NPC1 protein (p.Asp806Gly).

NM_000271.5(NPC1):c.2417A>G (p.Asp806Gly)

Gene: NPC1 (NPC intracellular cholesterol transporter 1; minus strand). Cytogenetic location: 18q11.2.
Variant type: single nucleotide variant.
Coding change: c.2417A>G on transcript NM_000271.5 (MANE Select); coding-DNA position 2417, A replaced by G.
Protein change: p.Asp806Gly; replaces aspartic acid 806 with glycine.
Molecular consequence: missense variant.
Genome position (GRCh38, 1-based): chr18:23,541,165, T>C on the plus strand (A>G on the coding strand, the complement: NPC1 is on the minus strand). VCF-style: chr18-23541165-T-C. GRCh37 (hg19) VCF-style: chr18-21121129-T-C.
Other names: short protein forms D806G.
Identifiers: ClinVar variation 1517799 (VCV001517799.8), dbSNP rs1825611761, ClinGen allele CA401793469.